The following is an entry in ClinVar:

ClinVar aggregate classification (germline): Pathogenic (1 of 4 stars; one submission).

Conditions:
MPI-congenital disorder of glycosylation. Also called: MPI-CDG; CONGENITAL DISORDER OF GLYCOSYLATION, TYPE Ib; MPI DEFICIENCY; CDG Ib; MANNOSEPHOSPHATE ISOMERASE DEFICIENCY; PROTEIN-LOSING ENTEROPATHY-HEPATIC FIBROSIS SYNDROME. Identifiers: Orphanet 79319, MedGen C1865145, MONDO:0011257, OMIM 602579.

Submission:

Labcorp Genetics (formerly Invitae), Labcorp
Classification: Pathogenic for MPI-congenital disorder of glycosylation. Last evaluated: 2023-08-07. Review status: criteria provided, single submitter. Criteria: Invitae Variant Classification Sherloc (09022015). Collection method: clinical testing. Allele origin: germline.
Comment: This sequence change creates a premature translational stop signal (p.Val164Cysfs*7) in the MPI gene. It is expected to result in an absent or disrupted protein product. Loss-of-function variants in MPI are known to be pathogenic (PMID: 19862844). This variant is not present in population databases (gnomAD no frequency). This variant has not been reported in the literature in individuals affected with MPI-related conditions. For these reasons, this variant has been classified as Pathogenic.

Literature cited by the submitters: PubMed 19862844.

NM_002435.3(MPI):c.490del (p.Val164fs)

Gene: MPI (mannose phosphate isomerase; plus strand). Cytogenetic location: 15q24.1.
Variant type: Deletion.
Coding change: c.490del on transcript NM_002435.3 (MANE Select); coding-DNA position 490, one base deleted (G; older notation c.490delG).
Protein change: p.Val164fs; shifts the reading frame from valine 164.
Molecular consequence: frameshift variant. On other transcripts: intron variant (1).
Genome position (GRCh38, 1-based): chr15:74,893,140, G deleted; the last of 2 consecutive G bases (chr15:74,893,139-74,893,140); deleting either gives the same sequence. VCF-style (leftmost placement, unchanged base first): chr15-74893138-AG-A. GRCh37 (hg19) VCF-style: chr15-75185479-AG-A.
Other names: c.490del, p.Val164fs (NM_001289155.2); c.340del, p.Val114fs (NM_001289156.2); c.430del, p.Val144fs (NM_001330372.2); c.487+338del (NM_001289157.2); short protein forms V114fs, V144fs, V164fs.
Identifiers: ClinVar variation 2750988 (VCV002750988.3), dbSNP rs2505816823, ClinGen allele CA2697549217.